The following is an entry in ClinVar:

NM_000384.3(APOB):c.26TGGCGCTGC[3] (p.9LAL[3])

Genes: APOB (apolipoprotein B; minus strand), LOC106560211 (APOB 5' regulatory region; plus strand). Cytogenetic location: 2p24.1.
Variant type: Microsatellite.
Coding change: c.26TGGCGCTGC[3] on transcript NM_000384.3 (MANE Select); three copies in a row of the 9-base unit TGGCGCTGC starting at c.26; the reference has two copies in a row; one copy, 9 bases duplicated; also written c.35_43dup.
Protein change: p.9LAL[3].
Molecular consequence: inframe insertion.
Genome position (GRCh38, 1-based): chr2:21,043,903-21,043,911, GCAGCGCCA duplicated on the plus strand (TGGCGCTGC on the coding strand, the reverse complement: APOB is on the minus strand); duplicating any 9 consecutive bases within chr2:21,043,903-21,043,927 gives the same sequence; the position shown is the placement nearest the transcript's 3' end. VCF-style (leftmost placement, unchanged base first): chr2-21043902-G-GGCAGCGCCA. GRCh37 (hg19) VCF-style: chr2-21266774-G-GGCAGCGCCA.
Other names: p.Leu12_Leu14dup; c.35_43dupTGGCGCTGC (NM_000384.2); c.35_43dup (NM_000384.3).
Identifiers: ClinVar variation 847160 (VCV000847160.47), dbSNP rs17240441, ClinGen allele CA530861077.

ClinVar aggregate classification (germline): Uncertain significance. Review status: criteria provided, multiple submitters, no conflicts (2 of 4 stars). 4 submissions from 4 submitters: Uncertain significance (4). Last evaluated 2023-07-20.

Conditions:
Hypercholesterolemia, autosomal dominant, type B (FHCL2). Also called: Hyperlipoproteinemia Type IIb; Familial hypercholesterolemia 2; APOB-Related Familial Hypercholesterolemia, Autosomal Dominant; Familial Hypercholesterolemia Type B; APOLIPOPROTEIN B-100, FAMILIAL DEFECTIVE; APOLIPOPROTEIN B-100, FAMILIAL LIGAND-DEFECTIVE. Identifiers: MedGen C1704417, MONDO:0007751, OMIM 144010.
Familial hypobetalipoproteinemia 1. Also called: Hypobetalipoproteinemia, normotriglyceridemic; Acanthocytosis with hypobetalipoproteinemia; APOB-Related Familial Hypobetalipoproteinemia. Identifiers: MedGen C4551990, MONDO:0014252, OMIM 615558.
Cardiovascular phenotype. Identifiers: MedGen CN230736.

Submissions (4):

Quest Diagnostics Nichols Institute San Juan Capistrano
Classification: Uncertain significance. Last evaluated: 2023-07-20. Review status: criteria provided, single submitter. Criteria: Quest Diagnostics criteria. Collection method: clinical testing. Allele origin: unknown.
Comment: To the best of our knowledge, this variant has not been reported in the published literature. The frequency of this variant in the general population, 0.000058 (2/34576 chromosomes (Genome Aggregation Database)), is uninformative in the assessment of its pathogenicity.. Based on the available information, we are unable to determine the clinical significance of this variant.

Mayo Clinic Laboratories, Mayo Clinic
Classification: Uncertain significance. Last evaluated: 2023-07-17. Review status: criteria provided, single submitter. Criteria: ACMG Guidelines, 2015. Collection method: clinical testing. Allele origin: germline. Observed: 1 variant allele.
Comment: BP5

Labcorp Genetics (formerly Invitae), Labcorp
Classification: Uncertain significance for Familial hypobetalipoproteinemia 1; Hypercholesterolemia, autosomal dominant, type B. Last evaluated: 2022-08-16. Review status: criteria provided, single submitter. Criteria: Invitae Variant Classification Sherloc (09022015). Collection method: clinical testing. Allele origin: germline.
Comment: This variant, c.35_43dup, results in the insertion of 3 amino acid(s) of the APOB protein (p.Leu12_Leu14dup), but otherwise preserves the integrity of the reading frame. The frequency data for this variant in the population databases is considered unreliable, as metrics indicate poor data quality at this position in the gnomAD database. This variant has not been reported in the literature in individuals affected with APOB-related conditions. ClinVar contains an entry for this variant (Variation ID: 847160). Experimental studies and prediction algorithms are not available or were not evaluated, and the functional significance of this variant is currently unknown. In summary, the available evidence is currently insufficient to determine the role of this variant in disease. Therefore, it has been classified as a Variant of Uncertain Significance.

Ambry Genetics
Classification: Uncertain significance for Cardiovascular phenotype. Last evaluated: 2022-06-02. Review status: criteria provided, single submitter. Criteria: Ambry Variant Classification Scheme 2023. Collection method: clinical testing. Allele origin: germline.
Comment: The c.35_43dupTGGCGCTGC variant (also known as p.L12_L14dup), located in coding exon 1 of the APOB gene, results from an in-frame duplication of TGGCGCTGC at nucleotide positions 35 to 43. This results in the duplication of 3 extra residues (LAL) between codons 12 and 14. This amino acid region is not well conserved in available vertebrate species. In addition, this alteration is predicted to be neutral by in silico analysis (Choi Y et al. PLoS ONE. 2012; 7(10):e46688). Since supporting evidence is limited at this time, the clinical significance of this alteration remains unclear.